The following is an entry in ClinVar:

NM_002016.2(FLG):c.1437C>G (p.Asp479Glu)

Genes: CCDST (cervical cancer associated DHX9 suppressive transcript; plus strand), FLG (filaggrin; minus strand). Cytogenetic location: 1q21.3.
Variant type: single nucleotide variant.
Coding change: c.1437C>G on transcript NM_002016.2 (MANE Select); coding-DNA position 1437, C replaced by G.
Protein change: p.Asp479Glu; replaces aspartic acid 479 with glutamic acid.
Molecular consequence: missense variant.
Genome position (GRCh38, 1-based): chr1:152,313,449, G>C on the plus strand (C>G on the coding strand, the complement: FLG is on the minus strand). VCF-style: chr1-152313449-G-C. GRCh37 (hg19) VCF-style: chr1-152285925-G-C.
Other names: short protein forms D479E.
Identifiers: ClinVar variation 4872204 (VCV004872204.2).

ClinVar aggregate classification (germline): Likely benign (1 of 4 stars; one submission).

gnomAD v4.1: 815 of 1,613,656 alleles (0.051%); highest among the groups gnomAD compares: African/African-American, 0.55%; 1 homozygote.

Submission:

CeGaT Center for Human Genetics Tuebingen
Classification: Likely benign. Last evaluated: 2026-06-01. Review status: criteria provided, single submitter. Criteria: CeGaT Center For Human Genetics Tuebingen Variant Classification Criteria Version 2. Collection method: clinical testing. Allele origin: germline. Affected: yes. Observed: 1 variant allele.
Comment: FLG: BP4